The following is an entry in ClinVar:

NM_001264.5(CDSN):c.1516G>A (p.Val506Met)

Genes: CDSN (corneodesmosin; minus strand), PSORS1C1 (psoriasis susceptibility 1 candidate 1; plus strand). Cytogenetic location: 6p21.33.
Variant type: single nucleotide variant.
Coding change: c.1516G>A on transcript NM_001264.5 (MANE Select); coding-DNA position 1516, G replaced by A.
Protein change: p.Val506Met; replaces valine 506 with methionine.
Molecular consequence: missense variant. On other transcripts: intron variant (1).
Genome position (GRCh38, 1-based): chr6:31,116,099, C>T on the plus strand (G>A on the coding strand, the complement: CDSN is on the minus strand). VCF-style: chr6-31116099-C-T. GRCh37 (hg19) VCF-style: chr6-31083876-C-T.
Other names: c.-229+1208C>T (NM_014068.3); short protein forms V506M.
Identifiers: ClinVar variation 2067270 (VCV002067270.3), dbSNP rs140801967, ClinGen allele CA3708297.

ClinVar aggregate classification (germline): Uncertain significance. Review status: criteria provided, multiple submitters, no conflicts (2 of 4 stars). 2 submissions from 2 submitters: Uncertain significance (2). Last evaluated 2023-12-16.

Conditions:
Inborn genetic diseases. Identifiers: MedGen C0950123, MeSH D030342.

Allele frequency attached by ClinVar (database versions not stated): gnomAD exomes 0.00002; ExAC 0.00009; gnomAD 0.00025; ESP Exome Variant Server 0.00028.
gnomAD v4.1: 66 of 1,611,934 alleles (0.0041%); highest among the groups gnomAD compares: African/African-American, 0.069%; no homozygotes.

Submissions (2):

Ambry Genetics
Classification: Uncertain significance for Inborn genetic diseases. Last evaluated: 2023-12-16. Review status: criteria provided, single submitter. Criteria: Ambry Variant Classification Scheme 2023. Collection method: clinical testing. Allele origin: germline.

Labcorp Genetics (formerly Invitae), Labcorp
Classification: Uncertain significance. Last evaluated: 2022-06-19. Review status: criteria provided, single submitter. Criteria: Invitae Variant Classification Sherloc (09022015). Collection method: clinical testing. Allele origin: germline.
Comment: In summary, the available evidence is currently insufficient to determine the role of this variant in disease. Therefore, it has been classified as a Variant of Uncertain Significance. Algorithms developed to predict the effect of missense changes on protein structure and function are either unavailable or do not agree on the potential impact of this missense change (SIFT: "Deleterious"; PolyPhen-2: "Possibly Damaging"; Align-GVGD: "Class C15"). This variant has not been reported in the literature in individuals affected with CDSN-related conditions. This variant is present in population databases (rs140801967, gnomAD 0.09%). This sequence change replaces valine, which is neutral and non-polar, with methionine, which is neutral and non-polar, at codon 506 of the CDSN protein (p.Val506Met).